The following is an entry in ClinVar:

NM_006735.4(HOXA2):c.334GCC[9] (p.Ala117_Thr118insAlaAlaAla)

Gene: HOXA2 (homeobox A2; minus strand). Cytogenetic location: 7p15.2.
Variant type: Microsatellite.
Coding change: c.334GCC[9] on transcript NM_006735.4 (MANE Select); nine copies in a row of the 3-base unit GCC starting at c.334; the reference has six copies in a row; three copies, 9 bases duplicated.
Protein change: p.Ala117_Thr118insAlaAlaAla.
Molecular consequence: inframe insertion.
Genome position (GRCh38, 1-based): chr7:27,102,150-27,102,158, GGCGGCGGC duplicated on the plus strand (GCCGCCGCC on the coding strand, the reverse complement: HOXA2 is on the minus strand); duplicating any 9 consecutive bases within chr7:27,102,150-27,102,167 gives the same sequence; the position shown is the placement nearest the transcript's 3' end. VCF-style (leftmost placement, unchanged base first): chr7-27102149-T-TGGCGGCGGC. GRCh37 (hg19) VCF-style: chr7-27141768-T-TGGCGGCGGC.
Identifiers: ClinVar variation 3358374 (VCV003358374.1).
Genomic context (GRCh38, chr7:27,102,149, plus strand): 5'-GGGCCAAGTCTTTGGACTGACCTTTGTGGCTGAGGCAAGCAGGGCCGGTGGCTGCGGCGG[T>TGGCGGCGGC]GGCGGCGGCGGCGGCGGCCGGCAGAAGTGCGGTTTTCTTGGCCGCCTTCTTCTCCTTCAT-3'

ClinVar aggregate classification (germline): Likely benign (0 of 4 stars; one submission).

Conditions:
HOXA2-related disorder. Also called: HOXA2-related condition.

Submission:

PreventionGenetics, part of Exact Sciences
Classification: Likely benign for HOXA2-related condition. Last evaluated: 2024-06-07. Review status: no assertion criteria provided. Collection method: clinical testing. Allele origin: germline.
Comment: This variant is classified as likely benign based on ACMG/AMP sequence variant interpretation guidelines (Richards et al. 2015 PMID: 25741868, with internal and published modifications).